The following is an entry in ClinVar:

ClinVar aggregate classification (germline): Conflicting classifications of pathogenicity. Review status: criteria provided, conflicting classifications (1 of 4 stars). 8 submissions from 8 submitters: Uncertain significance (5); Likely benign (1). 2 of the submissions do not count toward it. Last evaluated 2025-07-17.

Conditions:
MEGF8-related Carpenter syndrome. Also called: Carpenter syndrome 2. Identifiers: Orphanet 65759, MedGen C3554247, MONDO:0013998, OMIM 614976.

Allele frequency attached by ClinVar (database versions not stated): 1000 Genomes Project 0.00020; 1000 Genomes Project 30x 0.00047; ESP Exome Variant Server 0.00077; TOPMed 0.00098; gnomAD 0.00102 and 0.00105; ExAC 0.00108.
gnomAD v4.1: 2,441 of 1,606,034 alleles (0.15%); highest among the groups gnomAD compares: Non-Finnish European, 0.19%; 5 homozygotes.

Submissions (8):

GeneDx
Classification: Uncertain significance. Last evaluated: 2025-07-17. Review status: criteria provided, single submitter. Criteria: GeneDx Variant Classification Process June 2021. Collection method: clinical testing. Allele origin: germline. Affected: yes.
Comment: Observed with a second variant of uncertain significance on the opposite allele (in trans) in a patient with Carpenter syndrome in published literature (PMID: 37853563); In silico analysis suggests that this missense variant does not alter protein structure/function; This variant is associated with the following publications: (PMID: 28719003, 26740555, 34257423, 22885699, 27377421, 37853563, 24448499)

Women's Health and Genetics/Laboratory Corporation of America, LabCorp
Classification: Likely benign. Last evaluated: 2025-04-09. Review status: criteria provided, single submitter. Criteria: LabCorp Variant Classification Summary - May 2015. Collection method: clinical testing. Allele origin: germline.
Comment: Variant summary: MEGF8 c.7573G>A (p.Val2525Met) results in a conservative amino acid change in the encoded protein sequence. Three of five in-silico tools predict a damaging effect of the variant on protein function. The variant allele was found at a frequency of 0.0015 in 1599074 control chromosomes, predominantly at a frequency of 0.0019 within the Non-Finnish European subpopulation in the gnomAD database (v4.1 dataset), including 5 homozygotes. The observed variant frequency within Non-Finnish European control individuals in the gnomAD database is approximately 1.7-fold of the estimated maximal expected allele frequency for a pathogenic variant in MEGF8 causing Carpenter Syndrome - Type 2 phenotype (0.0011). The variant, c.7573G>A (aka NM_001271938.2:c.7774G>A (p. Val2592Met)), has been reported in the literature in exome sequencing studies in individuals with possible Carpenter syndrome diagnosis (e.g. Berrios_2021, Sullivan_2024), however no phenotype details- or other supportive evidence has been provided. These reports therefore do not provide unequivocal conclusions about association of the variant with Carpenter Syndrome - Type 2. To our knowledge, no experimental evidence demonstrating an impact on protein function has been reported. The following publications have been ascertained in the context of this evaluation (PMID: 34257423, 37853563). ClinVar contains an entry for this variant (Variation ID: 218579). Based on the evidence outlined above, the variant was classified as likely benign.

Baylor Genetics
Classification: Uncertain significance for MEGF8-related Carpenter syndrome. Last evaluated: 2023-04-21. Review status: criteria provided, single submitter. Criteria: ACMG Guidelines, 2015. Collection method: clinical testing. Allele origin: unknown.

Duke University Health System Sequencing Clinic, Duke University Health System
Classification: Uncertain significance for MEGF8-related Carpenter syndrome. Last evaluated: 2023-04-20. Review status: criteria provided, single submitter. Criteria: ACMG Guidelines, 2015. Collection method: research. Allele origin: paternal. Affected: yes.

Labcorp Genetics (formerly Invitae), Labcorp
Classification: Uncertain significance for MEGF8-related Carpenter syndrome. Last evaluated: 2022-11-01. Review status: criteria provided, single submitter. Criteria: Invitae Variant Classification Sherloc (09022015). Collection method: clinical testing. Allele origin: germline.
Comment: This sequence change replaces valine, which is neutral and non-polar, with methionine, which is neutral and non-polar, at codon 2525 of the MEGF8 protein (p.Val2525Met). This variant is present in population databases (rs148860986, gnomAD 0.2%), and has an allele count higher than expected for a pathogenic variant. This variant has not been reported in the literature in individuals affected with MEGF8-related conditions. ClinVar contains an entry for this variant (Variation ID: 218579). Algorithms developed to predict the effect of missense changes on protein structure and function are either unavailable or do not agree on the potential impact of this missense change (SIFT: "Deleterious"; PolyPhen-2: "Probably Damaging"; Align-GVGD: "Class C0"). In summary, the available evidence is currently insufficient to determine the role of this variant in disease. Therefore, it has been classified as a Variant of Uncertain Significance.

Genomic Diagnostic Laboratory, Division of Genomic Diagnostics, Children's Hospital of Philadelphia
Classification: Uncertain significance. Last evaluated: 2015-06-08. Review status: criteria provided, single submitter. Criteria: DGD Variant Analysis Guidelines. Collection method: clinical testing. Allele origin: unknown.

Clinical Genetics DNA and cytogenetics Diagnostics Lab, Erasmus MC, Erasmus Medical Center
Classification: Uncertain significance. Review status: no assertion criteria provided. Collection method: clinical testing. Allele origin: germline. Affected: yes. Study: VKGL Data-share Consensus. Not counted in ClinVar's aggregate classification.

Laboratory of Diagnostic Genome Analysis, Leiden University Medical Center (LUMC)
Classification: Uncertain significance. Review status: no assertion criteria provided. Collection method: clinical testing. Allele origin: germline. Affected: yes. Study: VKGL Data-share Consensus. Not counted in ClinVar's aggregate classification.

Literature cited by the submitters: PubMed 37853563 (cited by Women's Health and Genetics/Laboratory Corporation of America, LabCorp); PubMed 34257423 (cited by Women's Health and Genetics/Laboratory Corporation of America, LabCorp).

NM_001271938.2(MEGF8):c.7774G>A (p.Val2592Met)

Gene: MEGF8 (multiple EGF like domains 8; plus strand). Cytogenetic location: 19q13.2.
Variant type: single nucleotide variant.
Coding change: c.7774G>A on transcript NM_001271938.2 (MANE Select); coding-DNA position 7774, G replaced by A.
Protein change: p.Val2592Met; replaces valine 2592 with methionine.
Molecular consequence: missense variant.
Genome position (GRCh38, 1-based): chr19:42,376,011, G>A. VCF-style: chr19-42376011-G-A. GRCh37 (hg19) VCF-style: chr19-42880163-G-A.
Other names: c.7573G>A, p.Val2525Met (NM_001410.3); short protein forms V2525M, V2592M.
Identifiers: ClinVar variation 218579 (VCV000218579.19), dbSNP rs148860986, ClinGen allele CA249234.